The following is an entry in ClinVar:

ClinVar aggregate classification (germline): Uncertain significance (1 of 4 stars; one submission).

Conditions:
Aicardi-Goutieres syndrome 4. Identifiers: Orphanet 51, MedGen C1835912, MONDO:0012472, OMIM 610333.

Submission:

Labcorp Genetics (formerly Invitae), Labcorp
Classification: Uncertain significance for Aicardi-Goutieres syndrome 4. Last evaluated: 2021-12-22. Review status: criteria provided, single submitter. Criteria: Invitae Variant Classification Sherloc (09022015). Collection method: clinical testing. Allele origin: germline.
Comment: This variant is not present in population databases (gnomAD no frequency). In summary, the available evidence is currently insufficient to determine the role of this variant in disease. Therefore, it has been classified as a Variant of Uncertain Significance. Algorithms developed to predict the effect of missense changes on protein structure and function are either unavailable or do not agree on the potential impact of this missense change (SIFT: "Deleterious"; PolyPhen-2: "Benign"; Align-GVGD: "Class C0"). This variant has not been reported in the literature in individuals affected with RNASEH2A-related conditions. This sequence change replaces glutamic acid, which is acidic and polar, with glycine, which is neutral and non-polar, at codon 27 of the RNASEH2A protein (p.Glu27Gly).

NM_006397.3(RNASEH2A):c.80A>G (p.Glu27Gly)

Genes: RNASEH2A (ribonuclease H2 subunit A; plus strand), LOC117038795 (CRISPRi-FlowFISH-validated PRDX2 regulatory element 4; plus strand). Cytogenetic location: 19p13.13.
Variant type: single nucleotide variant.
Coding change: c.80A>G on transcript NM_006397.3 (MANE Select); coding-DNA position 80, A replaced by G.
Protein change: p.Glu27Gly; replaces glutamic acid 27 with glycine.
Molecular consequence: missense variant.
Genome position (GRCh38, 1-based): chr19:12,806,753, A>G. VCF-style: chr19-12806753-A-G. GRCh37 (hg19) VCF-style: chr19-12917567-A-G.
Other names: short protein forms E27G.
Identifiers: ClinVar variation 2053991 (VCV002053991.4), dbSNP rs2512889118, ClinGen allele CA404263356.
Genomic context (GRCh38, chr19:12,806,753, plus strand): 5'-AGAGAGACAATACAGGCCGCTGTCGCCTGAGTTCGCCTGTGCCCGCGGTGTGCCGCAAGG[A>G]GCCTTGCGTCCTGGGCGTCGATGAGGCGGGCAGGGGCCCCGTGCTGGGTGCGCCCCTAGG-3'
Protein context (NP_006388.2, residues 17-37): SSPVPAVCRK[Glu27Gly]PCVLGVDEAG